The following is an entry in ClinVar:

NM_004006.3(DMD):c.986C>T (p.Ser329Leu)

Gene: DMD (dystrophin; minus strand). Cytogenetic location: Xp21.1.
Variant type: single nucleotide variant.
Coding change: c.986C>T on transcript NM_004006.3 (MANE Select); coding-DNA position 986, C replaced by T.
Protein change: p.Ser329Leu; replaces serine 329 with leucine.
Molecular consequence: missense variant.
Genome position (GRCh38, 1-based): chrX:32,645,127, G>A on the plus strand (C>T on the coding strand, the complement: DMD is on the minus strand). VCF-style: chrX-32645127-G-A. GRCh37 (hg19) VCF-style: chrX-32663244-G-A.
Other names: c.962C>T, p.Ser321Leu (NM_000109.4); c.974C>T, p.Ser325Leu (NM_004009.3); c.617C>T, p.Ser206Leu (NM_004010.3); short protein forms S321L, S325L, S206L, S329L.
Identifiers: ClinVar variation 1035010 (VCV001035010.10), dbSNP rs2059701389, ClinGen allele CA412662343.

ClinVar aggregate classification (germline): Uncertain significance. Review status: criteria provided, single submitter (1 of 4 stars). 2 submissions from 2 submitters: Uncertain significance (1). 1 of the submissions does not count toward it. Last evaluated 2025-04-11.

Conditions:
Cardiomyopathy (CMYO). Also called: Cardiomyopathies. Identifiers: Orphanet 167848, MedGen C0878544, MONDO:0004994, HP:0001638. Inheritance: Various modes of inheritance.
Dystrophin deficiency.
Duchenne muscular dystrophy (DMD). Also called: MUSCULAR DYSTROPHY, PSEUDOHYPERTROPHIC PROGRESSIVE, DUCHENNE TYPE; Duchenne Muscular Dystrophy (DMD). Identifiers: Orphanet 98896, MedGen C0013264, MONDO:0010679, OMIM 310200.
Becker muscular dystrophy (BMD). Also called: Becker Muscular Dystrophy (BMD); MUSCULAR DYSTROPHY, PSEUDOHYPERTROPHIC PROGRESSIVE, BECKER TYPE. Identifiers: Orphanet 98895, MedGen C0917713, MONDO:0010311, OMIM 300376.

Allele frequency attached by ClinVar (database versions not stated): gnomAD exomes below 0.00001.
gnomAD v4.1: 1 of 1,211,455 alleles (0.000083%); highest among the groups gnomAD compares: African/African-American, 0.0017%; no homozygotes.

Submissions (2):

Labcorp Genetics (formerly Invitae), Labcorp
Classification: Uncertain significance for Duchenne muscular dystrophy. Last evaluated: 2025-04-11. Review status: criteria provided, single submitter. Criteria: Invitae Variant Classification Sherloc (09022015). Collection method: clinical testing. Allele origin: germline.
Comment: This sequence change replaces serine, which is neutral and polar, with leucine, which is neutral and non-polar, at codon 329 of the DMD protein (p.Ser329Leu). This variant is not present in population databases (gnomAD no frequency). This variant has not been reported in the literature in individuals affected with DMD-related conditions. ClinVar contains an entry for this variant (Variation ID: 1035010). Invitae Evidence Modeling of protein sequence and biophysical properties (such as structural, functional, and spatial information, amino acid conservation, physicochemical variation, residue mobility, and thermodynamic stability) indicates that this missense variant is not expected to disrupt DMD protein function with a negative predictive value of 95%. In summary, the available evidence is currently insufficient to determine the role of this variant in disease. Therefore, it has been classified as a Variant of Uncertain Significance.

Natera, Inc.
Classification: Uncertain significance for Becker muscular dystrophy; Cardiomyopathy; Duchenne muscular dystrophy; Dystrophin deficiency. Last evaluated: 2019-09-05. Review status: no assertion criteria provided. Collection method: clinical testing. Allele origin: germline. Not counted in ClinVar's aggregate classification.